The following is an entry in ClinVar:

NM_001042492.3(NF1):c.5734A>C (p.Ser1912Arg)

Gene: NF1 (neurofibromin 1; plus strand). Cytogenetic location: 17q11.2.
Variant type: single nucleotide variant.
Coding change: c.5734A>C on transcript NM_001042492.3 (MANE Select); coding-DNA position 5734, A replaced by C.
Protein change: p.Ser1912Arg; replaces serine 1912 with arginine.
Molecular consequence: missense variant.
Genome position (GRCh38, 1-based): chr17:31,330,420, A>C. VCF-style: chr17-31330420-A-C. GRCh37 (hg19) VCF-style: chr17-29657438-A-C.
Other names: c.5671A>C, p.Ser1891Arg (NM_000267.4); short protein forms S1891R, S1912R.
Identifiers: ClinVar variation 3634575 (VCV003634575.2).
Genomic context (GRCh38, chr17:31,330,420, plus strand): 5'-TTACTAGAGACATCAGGTTTATGTATCCCTGCCAACAACACCCTCTTTATTGTCTCTATT[A>C]GTAAGACACTGGCAGCCAATGAGCCACACCTCACGTTAGAATTTTTGGAAGAGTGTATTT-3'
Protein context (NP_001035957.1, residues 1902-1922): ANNTLFIVSI[Ser1912Arg]KTLAANEPHL

ClinVar aggregate classification (germline): Pathogenic (1 of 4 stars; one submission).

Conditions:
Neurofibromatosis, type 1 (NF1). Also called: VON RECKLINGHAUSEN DISEASE; Peripheral type neurofibromatosis; NEUROFIBROMATOSIS, TYPE I, SOMATIC; Neurofibromatosis, type I. Identifiers: Orphanet 636, MedGen C0027831, MONDO:0018975, OMIM 162200. Disease mechanism: loss of function.

Submission:

Labcorp Genetics (formerly Invitae), Labcorp
Classification: Pathogenic for Neurofibromatosis, type 1. Last evaluated: 2025-08-18. Review status: criteria provided, single submitter. Criteria: Invitae Variant Classification Sherloc (09022015). Collection method: clinical testing. Allele origin: germline.
Comment: This sequence change replaces serine, which is neutral and polar, with arginine, which is basic and polar, at codon 1891 of the NF1 protein (p.Ser1891Arg). This variant is not present in population databases (gnomAD no frequency). This missense change has been observed in individual(s) with clinical features of neurofibromatosis type 1 (PMID: 35885913; internal data). ClinVar contains an entry for this variant (Variation ID: 3634575). Invitae Evidence Modeling of protein sequence and biophysical properties (such as structural, functional, and spatial information, amino acid conservation, physicochemical variation, residue mobility, and thermodynamic stability) indicates that this missense variant is expected to disrupt NF1 protein function with a positive predictive value of 95%. For these reasons, this variant has been classified as Pathogenic.

Literature cited by the submitters: PubMed 35885913.